The following is an entry in ClinVar:

ClinVar aggregate classification (germline): Uncertain significance (1 of 4 stars; one submission).

gnomAD v4.1: 3 of 1,612,852 alleles (0.00019%); highest among the groups gnomAD compares: African/African-American, 0.0013%; no homozygotes.

Submission:

Labcorp Genetics (formerly Invitae), Labcorp
Classification: Uncertain significance. Last evaluated: 2021-09-25. Review status: criteria provided, single submitter. Criteria: Invitae Variant Classification Sherloc (09022015). Collection method: clinical testing. Allele origin: germline.
Comment: In summary, the available evidence is currently insufficient to determine the role of this variant in disease. Therefore, it has been classified as a Variant of Uncertain Significance. Algorithms developed to predict the effect of missense changes on protein structure and function are either unavailable or do not agree on the potential impact of this missense change (SIFT: "Not Available"; PolyPhen-2: "Probably Damaging"; Align-GVGD: "Not Available"). This variant has not been reported in the literature in individuals affected with VPS13D-related conditions. This variant is not present in population databases (ExAC no frequency). This sequence change replaces arginine with glutamine at codon 3518 of the VPS13D protein (p.Arg3518Gln). The arginine residue is moderately conserved and there is a small physicochemical difference between arginine and glutamine.

NM_015378.4(VPS13D):c.10553G>A (p.Arg3518Gln)

Gene: VPS13D (vacuolar protein sorting 13 homolog D; plus strand). Cytogenetic location: 1p36.22.
Variant type: single nucleotide variant.
Coding change: c.10553G>A on transcript NM_015378.4 (MANE Select); coding-DNA position 10553, G replaced by A.
Protein change: p.Arg3518Gln; replaces arginine 3518 with glutamine.
Molecular consequence: missense variant.
Genome position (GRCh38, 1-based): chr1:12,368,572, G>A. VCF-style: chr1-12368572-G-A. GRCh37 (hg19) VCF-style: chr1-12428627-G-A.
Other names: c.10478G>A, p.Arg3493Gln (NM_018156.4); short protein forms R3493Q, R3518Q.
Identifiers: ClinVar variation 1434950 (VCV001434950.6), dbSNP rs1168406502, ClinGen allele CA338498290.